The following is an entry in ClinVar:

NM_002430.3(MN1):c.2072A>G (p.His691Arg)

Gene: MN1 (MN1 proto-oncogene, transcriptional regulator; minus strand). Cytogenetic location: 22q12.1.
Variant type: single nucleotide variant.
Coding change: c.2072A>G on transcript NM_002430.3 (MANE Select); coding-DNA position 2072, A replaced by G.
Protein change: p.His691Arg; replaces histidine 691 with arginine.
Molecular consequence: missense variant.
Genome position (GRCh38, 1-based): chr22:27,798,472, T>C on the plus strand (A>G on the coding strand, the complement: MN1 is on the minus strand). VCF-style: chr22-27798472-T-C. GRCh37 (hg19) VCF-style: chr22-28194460-T-C.
Other names: short protein forms H691R.
Identifiers: ClinVar variation 4975554 (VCV004975554.1).

ClinVar aggregate classification (germline): Uncertain significance (1 of 4 stars; one submission).

gnomAD v4.1: 1 of 1,564,192 alleles (0.000064%); highest among the groups gnomAD compares: African/African-American, 0.0014%; no homozygotes.

Submission:

GeneDx
Classification: Uncertain significance. Last evaluated: 2026-01-23. Review status: criteria provided, single submitter. Criteria: GeneDx Variant Classification Process June 2021. Collection method: clinical testing. Allele origin: germline.
Comment: Not observed at significant frequency in large population cohorts (gnomAD); In silico analysis supports that this missense variant has a deleterious effect on protein structure/function; Has not been previously published as pathogenic or benign to our knowledge